The following is an entry in ClinVar:

ClinVar aggregate classification (germline): Uncertain significance (1 of 4 stars; one submission).

Conditions:
Tay-Sachs disease (TSD). Also called: HEXA Disorders; HEXA DEFICIENCY; GM2 gangliosidosis, type 1; Hexosaminidase alpha-subunit deficiency (variant B); Sphingolipidosis, Tay-Sachs; Hexosaminidase A Deficiency. Identifiers: Orphanet 845, MedGen C0039373, MONDO:0010100, OMIM 272800.

Submission:

Labcorp Genetics (formerly Invitae), Labcorp
Classification: Uncertain significance for Tay-Sachs disease. Last evaluated: 2022-07-01. Review status: criteria provided, single submitter. Criteria: Invitae Variant Classification Sherloc (09022015). Collection method: clinical testing. Allele origin: germline.
Comment: This sequence change replaces valine, which is neutral and non-polar, with glycine, which is neutral and non-polar, at codon 132 of the HEXA protein (p.Val132Gly). In summary, the available evidence is currently insufficient to determine the role of this variant in disease. Therefore, it has been classified as a Variant of Uncertain Significance. Algorithms developed to predict the effect of missense changes on protein structure and function are either unavailable or do not agree on the potential impact of this missense change (SIFT: "Deleterious"; PolyPhen-2: "Probably Damaging"; Align-GVGD: "Class C0"). This variant has not been reported in the literature in individuals affected with HEXA-related conditions. This variant is not present in population databases (gnomAD no frequency).

NM_000520.6(HEXA):c.395T>G (p.Val132Gly)

Gene: HEXA (hexosaminidase subunit alpha; minus strand). Cytogenetic location: 15q23.
Variant type: single nucleotide variant.
Coding change: c.395T>G on transcript NM_000520.6 (MANE Select); coding-DNA position 395, T replaced by G.
Protein change: p.Val132Gly; replaces valine 132 with glycine.
Molecular consequence: missense variant. On other transcripts: non-coding transcript variant (1).
Genome position (GRCh38, 1-based): chr15:72,355,576, A>C on the plus strand (T>G on the coding strand, the complement: HEXA is on the minus strand). VCF-style: chr15-72355576-A-C. GRCh37 (hg19) VCF-style: chr15-72647917-A-C.
Other names: c.428T>G, p.Val143Gly (NM_001318825.2); short protein forms V132G, V143G.
Identifiers: ClinVar variation 1942849 (VCV001942849.5), dbSNP rs2542537802, ClinGen allele CA393066643.
Genomic context (GRCh38, chr15:72,355,576, plus strand): 5'-ATCATCCTTTCTCTCTCTCTTTTAATCAGCCCCAATTTGTTACCTCGGAGAGCTCCCCAG[A>C]CAGTCTCAGAGAGGAGTAAACACTGGTCATCATTTATGGTCAGGGTATCTGAAATGACAG-3'
Protein context (NP_000511.2, residues 122-142): DDQCLLLSET[Val132Gly]WGALRGLETF